The following is an entry in ClinVar:

NM_001148.6(ANK2):c.6626G>A (p.Gly2209Glu)

Gene: ANK2 (ankyrin 2; plus strand). Cytogenetic location: 4q26.
Variant type: single nucleotide variant.
Coding change: c.6626G>A on transcript NM_001148.6 (MANE Select); coding-DNA position 6626, G replaced by A.
Protein change: p.Gly2209Glu; replaces glycine 2209 with glutamic acid.
Molecular consequence: missense variant. On other transcripts: intron variant (68).
Genome position (GRCh38, 1-based): chr4:113,355,244, G>A. VCF-style: chr4-113355244-G-A. GRCh37 (hg19) VCF-style: chr4-114276400-G-A.
Other names: c.6392G>A, p.Gly2131Glu (NM_001386142.1); c.3026G>A, p.Gly1009Glu (NM_001386166.1); c.6767G>A, p.Gly2256Glu (NM_001386174.1); c.6743G>A, p.Gly2248Glu (NM_001386175.1); c.4411+4995G>A (NM_001386186.2, NM_001386148.2); c.4213+4995G>A (NM_001354269.3); c.4291+4995G>A (NM_001386187.2); c.4252+4995G>A (NM_001386147.1); and 35 more; short protein forms G2209E, G1009E, G2131E, G2248E, G2256E.
Identifiers: ClinVar variation 853156 (VCV000853156.8), dbSNP rs1564011730, ClinGen allele CA357924742.

ClinVar aggregate classification (germline): Uncertain significance. Review status: criteria provided, multiple submitters, no conflicts (2 of 4 stars). 2 submissions from 2 submitters: Uncertain significance (2). Last evaluated 2020-01-28.

Conditions:
Long QT syndrome (LQTS). Identifiers: MedGen C0023976, MeSH D008133, MONDO:0002442. Disease mechanism: loss of function. Inheritance: Various modes of inheritance.

Submissions (2):

GeneDx
Classification: Uncertain significance. Last evaluated: 2020-01-28. Review status: criteria provided, single submitter. Criteria: GeneDx Variant Classification Process June 2021. Collection method: clinical testing. Allele origin: germline. Affected: yes.
Comment: Has not been previously published as pathogenic or benign to our knowledge; Not observed in large population cohorts (Lek et al., 2016); At the protein level, in silico analysis, which includes protein predictors and evolutionary conservation, supports that this variant does not alter protein structure/function; At the mRNA level, in-silico analysis, which includes splice predictors and evolutionary conservation, is inconclusive as to whether the variant alters gene splicing. In the absence of RNA/functional studies, the actual effect of this sequence change is unknown.

Labcorp Genetics (formerly Invitae), Labcorp
Classification: Uncertain significance for Long QT syndrome. Last evaluated: 2019-12-08. Review status: criteria provided, single submitter. Criteria: Invitae Variant Classification Sherloc (09022015). Collection method: clinical testing. Allele origin: germline.
Comment: In summary, the available evidence is currently insufficient to determine the role of this variant in disease. Therefore, it has been classified as a Variant of Uncertain Significance. Algorithms developed to predict the effect of missense changes on protein structure and function (SIFT, PolyPhen-2, Align-GVGD) all suggest that this variant is likely to be tolerated, but these predictions have not been confirmed by published functional studies and their clinical significance is uncertain. This variant has not been reported in the literature in individuals with ANK2-related conditions. This variant is not present in population databases (ExAC no frequency). This sequence change replaces glycine with glutamic acid at codon 2209 of the ANK2 protein (p.Gly2209Glu). The glycine residue is weakly conserved and there is a moderate physicochemical difference between glycine and glutamic acid.